The following is an entry in ClinVar:

ClinVar aggregate classification (germline): Uncertain significance (1 of 4 stars; one submission).

Allele frequency attached by ClinVar (database versions not stated): gnomAD 0.00001; gnomAD exomes 0.00001; TOPMed 0.00003.
gnomAD v4.1: 10 of 1,443,438 alleles (0.00069%); highest among the groups gnomAD compares: Non-Finnish European, 0.00091%; no homozygotes.

Submission:

Labcorp Genetics (formerly Invitae), Labcorp
Classification: Uncertain significance. Last evaluated: 2025-02-10. Review status: criteria provided, single submitter. Criteria: Invitae Variant Classification Sherloc (09022015). Collection method: clinical testing. Allele origin: germline.
Comment: This sequence change replaces glycine, which is neutral and non-polar, with glutamic acid, which is acidic and polar, at codon 362 of the ARHGEF1 protein (p.Gly362Glu). This variant is not present in population databases (gnomAD no frequency). This variant has not been reported in the literature in individuals affected with ARHGEF1-related conditions. ClinVar contains an entry for this variant (Variation ID: 1478291). An algorithm developed to predict the effect of missense changes on protein structure and function (PolyPhen-2) suggests that this variant is likely to be disruptive. In summary, the available evidence is currently insufficient to determine the role of this variant in disease. Therefore, it has been classified as a Variant of Uncertain Significance.

NM_004706.4(ARHGEF1):c.1040G>A (p.Gly347Glu)

Gene: ARHGEF1 (Rho guanine nucleotide exchange factor 1; plus strand). Cytogenetic location: 19q13.2.
Variant type: single nucleotide variant.
Coding change: c.1040G>A on transcript NM_004706.4 (MANE Select); coding-DNA position 1040, G replaced by A.
Protein change: p.Gly347Glu; replaces glycine 347 with glutamic acid.
Molecular consequence: missense variant.
Genome position (GRCh38, 1-based): chr19:41,896,401, G>A. VCF-style: chr19-41896401-G-A. GRCh37 (hg19) VCF-style: chr19-42400474-G-A.
Other names: c.941G>A, p.Gly314Glu (NM_198977.2); c.1085G>A, p.Gly362Glu (NM_199002.2); short protein forms G314E, G362E, G347E.
Identifiers: ClinVar variation 1478291 (VCV001478291.8), dbSNP rs1401275294, ClinGen allele CA406055820.